The following is an entry in ClinVar:

ClinVar aggregate classification (germline): Likely pathogenic. Review status: criteria provided, single submitter (1 of 4 stars). 2 submissions from 2 submitters: Likely pathogenic (1). 1 of the submissions does not count toward it. Last evaluated 2024-03-01.

Conditions:
Myofibrillar myopathy 11. Also called: MYOPATHY, CONGENITAL, WITH ECCENTRIC CORES. Identifiers: MedGen C5543038, MONDO:0030927, OMIM 619178.

Submissions (2):

Muscle and Diseases Team, Institut de Génétique et Biologie Moléculaire et Cellulaire
Classification: Likely pathogenic for Myofibrillar myopathy 11. Last evaluated: 2024-03-01. Review status: criteria provided, single submitter. Criteria: ACMG Guidelines, 2015. Collection method: research. Allele origin: maternal. Affected: yes. Observed: 1 variant allele.
Comment: PS3+PM2+PP3+PP5

OMIM
Classification: Pathogenic for MYOFIBRILLAR MYOPATHY 11. Last evaluated: 2021-02-15. Review status: no assertion criteria provided. Collection method: literature only. Allele origin: germline. Not counted in ClinVar's aggregate classification.

Literature cited by the submitters: DOI 10.1186/s13073-024-01353-0 (cited by Muscle and Diseases Team, Institut de Génétique et Biologie Moléculaire et Cellulaire); PubMed 33217308 (cited by Muscle and Diseases Team, Institut de Génétique et Biologie Moléculaire et Cellulaire and OMIM).

NM_001267052.2(UNC45B):c.2255+5G>C

Gene: UNC45B (unc-45 myosin chaperone B; plus strand). Cytogenetic location: 17q12.
Variant type: single nucleotide variant.
Coding change: c.2255+5G>C on transcript NM_001267052.2 (MANE Select); 5 bases into the intron after coding-DNA position 2255, G replaced by C.
Molecular consequence: intron variant.
Genome position (GRCh38, 1-based): chr17:35,177,615, G>C. VCF-style: chr17-35177615-G-C. GRCh37 (hg19) VCF-style: chr17-33504634-G-C.
Other names: IVSDS, G-C, +5; c.2255+5G>C (NM_001033576.2); c.2261+5G>C (NM_173167.3); c.2018+5G>C (NM_001308281.1).
Identifiers: ClinVar variation 996755 (VCV000996755.3), dbSNP rs2092244236, ClinGen allele CA2257372695.